The following is an entry in ClinVar:

ClinVar aggregate classification (germline): Uncertain significance. Review status: criteria provided, multiple submitters, no conflicts (2 of 4 stars). 2 submissions from 2 submitters: Uncertain significance (2). Last evaluated 2022-10-05.

Conditions:
Ichthyosis linearis circumflexa. Identifiers: MedGen C0265962, MONDO:0043106, HP:0025810.

Allele frequency attached by ClinVar (database versions not stated): TOPMed below 0.00001; ExAC 0.00001; gnomAD 0.00001; gnomAD exomes 0.00001 and 0.00002.
gnomAD v4.1: 27 of 1,612,344 alleles (0.0017%); highest among the groups gnomAD compares: Non-Finnish European, 0.002%; no homozygotes.

Submissions (2):

Labcorp Genetics (formerly Invitae), Labcorp
Classification: Uncertain significance for Ichthyosis linearis circumflexa. Last evaluated: 2022-10-05. Review status: criteria provided, single submitter. Criteria: Invitae Variant Classification Sherloc (09022015). Collection method: clinical testing. Allele origin: germline.
Comment: In summary, the available evidence is currently insufficient to determine the role of this variant in disease. Therefore, it has been classified as a Variant of Uncertain Significance. Algorithms developed to predict the effect of sequence changes on RNA splicing suggest that this variant may create or strengthen a splice site. Advanced modeling of protein sequence and biophysical properties (such as structural, functional, and spatial information, amino acid conservation, physicochemical variation, residue mobility, and thermodynamic stability) performed at Invitae indicates that this missense variant is not expected to disrupt SPINK5 protein function. ClinVar contains an entry for this variant (Variation ID: 1315371). This variant has not been reported in the literature in individuals affected with SPINK5-related conditions. This variant is present in population databases (rs757295553, gnomAD 0.002%). This sequence change replaces aspartic acid, which is acidic and polar, with glycine, which is neutral and non-polar, at codon 633 of the SPINK5 protein (p.Asp633Gly).

GeneDx
Classification: Uncertain significance. Last evaluated: 2020-02-10. Review status: criteria provided, single submitter. Criteria: GeneDx Variant Classification Process June 2021. Collection method: clinical testing. Allele origin: germline. Affected: yes.
Comment: Not observed at a significant frequency in large population cohorts (Lek et al., 2016); In silico analysis supports that this missense variant does not alter protein structure/function; Has not been previously published as pathogenic or benign to our knowledge

NM_006846.4(SPINK5):c.1898A>G (p.Asp633Gly)

Gene: SPINK5 (serine peptidase inhibitor Kazal type 5; plus strand). Cytogenetic location: 5q32.
Variant type: single nucleotide variant.
Coding change: c.1898A>G on transcript NM_006846.4 (MANE Select); coding-DNA position 1898, A replaced by G.
Protein change: p.Asp633Gly; replaces aspartic acid 633 with glycine.
Molecular consequence: missense variant.
Genome position (GRCh38, 1-based): chr5:148,114,372, A>G. VCF-style: chr5-148114372-A-G. GRCh37 (hg19) VCF-style: chr5-147493935-A-G.
Other names: c.1898A>G, p.Asp633Gly (NM_001127698.2, NM_001127699.2); short protein forms D633G.
Identifiers: ClinVar variation 1315371 (VCV001315371.10), dbSNP rs757295553, ClinGen allele CA3495795.
Genomic context (GRCh38, chr5:148,114,372, plus strand): 5'-ACTAATTTCCCAGAAGATACTCAAGCTTTCTCCTTTTCTTTTCCTTTTAGGAGACATGCG[A>G]TGAATTTCGGAGACTTTTGCAAAATGGAAAACTTTTCTGCACAAGAGAAAATGATCCTGT-3'
Protein context (NP_006837.2, residues 623-643): VKREAEKETC[Asp633Gly]EFRRLLQNGK